The following is an entry in ClinVar:

NM_001267550.2(TTN):c.4216_4219del (p.Ser1406fs)

Genes: TTN (titin; minus strand), LOC101927055 (uncharacterized LOC101927055; plus strand). Cytogenetic location: 2q31.2.
Variant type: Microsatellite.
Coding change: c.4216_4219del on transcript NM_001267550.2 (MANE Select); coding-DNA positions 4216 to 4219, 4 bases deleted (TCTC; older notation c.4216_4219delTCTC).
Protein change: p.Ser1406fs; shifts the reading frame from serine 1406.
Molecular consequence: frameshift variant. On other transcripts: non-coding transcript variant (1).
Genome position (GRCh38, 1-based): chr2:178,777,965-178,777,968, GAGA deleted on the plus strand (TCTC on the coding strand, the reverse complement: TTN is on the minus strand); deleting any 4 consecutive bases within chr2:178,777,965-178,777,974 gives the same sequence; the c. name uses the placement nearest the transcript's 3' end. VCF-style (leftmost placement, unchanged base first): chr2-178777964-GGAGA-G. GRCh37 (hg19) VCF-style: chr2-179642691-GGAGA-G.
Other names: c.4216_4219del, p.Ser1406fs (NM_001256850.1, NM_133378.4, NM_133379.5); c.4078_4081del, p.Ser1360fs (NM_003319.4, NM_133432.3, NM_133437.4); short protein forms S1360fs, S1406fs.
Identifiers: ClinVar variation 1052992 (VCV001052992.11), dbSNP rs2154346896, ClinGen allele CA2580616637.

ClinVar aggregate classification (germline): Likely pathogenic (1 of 4 stars; one submission).

Conditions:
Dilated cardiomyopathy 1G (CMD1G). Identifiers: Orphanet 154, MedGen C1858763, MONDO:0011400, OMIM 604145.
Autosomal recessive limb-girdle muscular dystrophy type 2J (LGMDR10). Also called: Limb-girdle muscular dystrophy, type 2J; MUSCULAR DYSTROPHY, LIMB-GIRDLE, AUTOSOMAL RECESSIVE 10. Identifiers: Orphanet 140922, MedGen C1837342, MONDO:0012127, OMIM 608807.

Submission:

Labcorp Genetics (formerly Invitae), Labcorp
Classification: Likely pathogenic for Dilated cardiomyopathy 1G; Autosomal recessive limb-girdle muscular dystrophy type 2J. Last evaluated: 2025-03-13. Review status: criteria provided, single submitter. Criteria: Invitae Variant Classification Sherloc (09022015). Collection method: clinical testing. Allele origin: germline.
Comment: This sequence change creates a premature translational stop signal (p.Ser1406Hisfs*4) in the TTN gene. While this is not anticipated to result in nonsense mediated decay, it is expected to create a truncated TTN protein. This variant is not present in population databases (gnomAD no frequency). This variant has not been reported in the literature in individuals affected with TTN-related conditions. ClinVar contains an entry for this variant (Variation ID: 1052992). This variant is located in the Z band of TTN (PMID: 25589632). Truncating variants in this region have been reported in individuals affected with autosomal recessive centronuclear myopathy (PMID: 33449170, internal data). Truncating variants in this region have also been identified in individuals affected with autosomal dominant dilated cardiomyopathy and/or cardio-related conditions (PMID: 27869827, 32964742, internal data). In summary, the currently available evidence indicates that the variant is pathogenic, but additional data are needed to prove that conclusively. Therefore, this variant has been classified as Likely Pathogenic.

Literature cited by the submitters: PubMed 25589632; PubMed 33449170; PubMed 27869827; PubMed 32964742.